The following is an entry in ClinVar:

NM_138387.4(G6PC3):c.812C>T (p.Ala271Val)

Gene: G6PC3 (glucose-6-phosphatase catalytic subunit 3; plus strand). Cytogenetic location: 17q21.31.
Variant type: single nucleotide variant.
Coding change: c.812C>T on transcript NM_138387.4 (MANE Select); coding-DNA position 812, C replaced by T.
Protein change: p.Ala271Val; replaces alanine 271 with valine.
Molecular consequence: missense variant. On other transcripts: 3 prime UTR variant (1).
Genome position (GRCh38, 1-based): chr17:44,075,814, C>T. VCF-style: chr17-44075814-C-T. GRCh37 (hg19) VCF-style: chr17-42153182-C-T.
Other names: c.*105C>T (NM_001319945.2); c.467C>T, p.Ala156Val (NM_001384165.1, NM_001384166.1, NM_001384167.1 and 1 more transcripts); short protein forms A156V, A271V.
Identifiers: ClinVar variation 3852348 (VCV003852348.1).

ClinVar aggregate classification (germline): Uncertain significance (1 of 4 stars; one submission).

Conditions:
Inborn genetic diseases. Identifiers: MedGen C0950123, MeSH D030342.

Submission:

Ambry Genetics
Classification: Uncertain significance for Inborn genetic diseases. Last evaluated: 2025-01-17. Review status: criteria provided, single submitter. Criteria: Ambry Variant Classification Scheme 2023. Collection method: clinical testing. Allele origin: germline.
Comment: The p.A271V variant (also known as c.812C>T), located in coding exon 6 of the G6PC3 gene, results from a C to T substitution at nucleotide position 812. The alanine at codon 271 is replaced by valine, an amino acid with similar properties. This amino acid position is conserved. In addition, this alteration is predicted to be tolerated by in silico analysis. Based on the available evidence, the clinical significance of this variant remains unclear.